The following is an entry in ClinVar:

NM_006208.3(ENPP1):c.2091G>A (p.Val697=)

Gene: ENPP1 (ectonucleotide pyrophosphatase/phosphodiesterase 1; plus strand). Cytogenetic location: 6q23.2.
Variant type: single nucleotide variant.
Coding change: c.2091G>A on transcript NM_006208.3 (MANE Select); coding-DNA position 2091, G replaced by A.
Protein change: p.Val697=; no amino-acid change (valine 697 retained).
Molecular consequence: synonymous variant.
Genome position (GRCh38, 1-based): chr6:131,880,025, G>A. VCF-style: chr6-131880025-G-A. GRCh37 (hg19) VCF-style: chr6-132201165-G-A.
Identifiers: ClinVar variation 2754064 (VCV002754064.3), dbSNP rs2483521051, ClinGen allele CA452157698.

ClinVar aggregate classification (germline): Uncertain significance (1 of 4 stars; one submission).

Submission:

Labcorp Genetics (formerly Invitae), Labcorp
Classification: Uncertain significance. Last evaluated: 2023-08-19. Review status: criteria provided, single submitter. Criteria: Invitae Variant Classification Sherloc (09022015). Collection method: clinical testing. Allele origin: germline.
Comment: In summary, the available evidence is currently insufficient to determine the role of this variant in disease. Therefore, it has been classified as a Variant of Uncertain Significance. Algorithms developed to predict the effect of sequence changes on RNA splicing suggest that this variant may disrupt the consensus splice site. This variant has not been reported in the literature in individuals affected with ENPP1-related conditions. This variant is not present in population databases (gnomAD no frequency). This sequence change affects codon 697 of the ENPP1 mRNA. It is a 'silent' change, meaning that it does not change the encoded amino acid sequence of the ENPP1 protein.